The following is an entry in ClinVar:

ClinVar aggregate classification (germline): Uncertain significance (1 of 4 stars; one submission).

Submission:

Laboratorio de Genetica e Diagnostico Molecular, Hospital Israelita Albert Einstein
Classification: Uncertain significance. Last evaluated: 2020-02-24. Review status: criteria provided, single submitter. Criteria: ACMG Guidelines, 2015. Collection method: clinical testing. Allele origin: germline. Affected: yes.
Comment: ACMG classification criteria: PM2

NM_018489.3(ASH1L):c.4985G>A (p.Gly1662Asp)

Gene: ASH1L (ASH1 like histone lysine methyltransferase; minus strand). Cytogenetic location: 1q22.
Variant type: single nucleotide variant.
Coding change: c.4985G>A on transcript NM_018489.3 (MANE Select); coding-DNA position 4985, G replaced by A.
Protein change: p.Gly1662Asp; replaces glycine 1662 with aspartic acid.
Molecular consequence: missense variant.
Genome position (GRCh38, 1-based): chr1:155,459,898, C>T on the plus strand (G>A on the coding strand, the complement: ASH1L is on the minus strand). VCF-style: chr1-155459898-C-T. GRCh37 (hg19) VCF-style: chr1-155429689-C-T.
Other names: c.4985G>A, p.Gly1662Asp (NM_001366177.2); short protein forms G1662D.
Identifiers: ClinVar variation 1690820 (VCV001690820.2), dbSNP rs2148672845, ClinGen allele CA342689242.
Genomic context (GRCh38, chr1:155,459,898, plus strand): 5'-GGGCTACAATTTGTGCTCTCTGATGGCCGCTGGGAGGGTTTATCAGAGGTTGGCTGGGAG[C>T]CTGGAGAAAGAGAAAAAGATAGAAATCATAGGAAAATTCAACTTTAAAAATAATGTGAAA-3'
Protein context (NP_060959.2, residues 1652-1672): SNERAVQTLA[Gly1662Asp]SQPTSDKPSQ